The following is an entry in ClinVar:

ClinVar aggregate classification (germline): Uncertain significance (1 of 4 stars; one submission).

Allele frequency attached by ClinVar (database versions not stated): gnomAD exomes 0.00001 and 0.00002.
gnomAD v4.1: 16 of 1,553,270 alleles (0.001%); highest among the groups gnomAD compares: South Asian, 0.019%; 1 homozygote.

Submission:

Labcorp Genetics (formerly Invitae), Labcorp
Classification: Uncertain significance. Last evaluated: 2021-08-28. Review status: criteria provided, single submitter. Criteria: Invitae Variant Classification Sherloc (09022015). Collection method: clinical testing. Allele origin: germline.
Comment: This sequence change falls in intron 17 of the CAMK2B gene. It does not directly change the encoded amino acid sequence of the CAMK2B protein. It affects a nucleotide within the consensus splice site of the intron. The frequency data for this variant in the population databases is considered unreliable, as metrics indicate poor data quality at this position in the ExAC database. This variant has not been reported in the literature in individuals affected with CAMK2B-related conditions. Variants that disrupt the consensus splice site are a relatively common cause of aberrant splicing (PMID: 17576681, 9536098). Algorithms developed to predict the effect of sequence changes on RNA splicing suggest that this variant is not likely to affect RNA splicing. In summary, the available evidence is currently insufficient to determine the role of this variant in disease. Therefore, it has been classified as a Variant of Uncertain Significance.

Literature cited by the submitters: PubMed 17576681; PubMed 9536098.

NM_001220.5(CAMK2B):c.1225+5C>T

Gene: CAMK2B (calcium/calmodulin dependent protein kinase II beta; minus strand). Cytogenetic location: 7p13.
Variant type: single nucleotide variant.
Coding change: c.1225+5C>T on transcript NM_001220.5 (MANE Select); 5 bases into the intron after coding-DNA position 1225, C replaced by T.
Molecular consequence: intron variant.
Genome position (GRCh38, 1-based): chr7:44,231,001, G>A on the plus strand (C>T on the coding strand, the complement: CAMK2B is on the minus strand). VCF-style: chr7-44231001-G-A. GRCh37 (hg19) VCF-style: chr7-44270600-G-A.
Other names: c.946+9706C>T (NM_172084.3); c.1150+5C>T (NM_172080.3); c.1036+5C>T (NM_172083.3); c.1108+5C>T (NM_172081.3); c.1153+5C>T (NM_172079.3, NM_172082.3); c.1225+5C>T (NM_001293170.2, NM_172078.3).
Identifiers: ClinVar variation 1413901 (VCV001413901.6), dbSNP rs777555763, ClinGen allele CA4240425.
Genomic context (GRCh38, chr7:44,231,001, plus strand): 5'-CCACCTCAAAGAGCAACCCAGCAATGCCAAGGCCGCTGGGGGGGCAAGGACTCAAGTGCA[G>A]GTACCTTTAGCGTCTTCATCCTCTATGGTGGTATTGGCACTGTCAGAAGACTCCTGAGGA-3'